The following is an entry in ClinVar:

NM_001039591.3(USP9X):c.4022C>T (p.Thr1341Ile)

Gene: USP9X (ubiquitin specific peptidase 9 X-linked; plus strand). Cytogenetic location: Xp11.4.
Variant type: single nucleotide variant.
Coding change: c.4022C>T on transcript NM_001039591.3 (MANE Select); coding-DNA position 4022, C replaced by T.
Protein change: p.Thr1341Ile; replaces threonine 1341 with isoleucine.
Molecular consequence: missense variant.
Genome position (GRCh38, 1-based): chrX:41,196,295, C>T. VCF-style: chrX-41196295-C-T. GRCh37 (hg19) VCF-style: chrX-41055548-C-T.
Other names: c.4022C>T, p.Thr1341Ile (NM_001039590.3); short protein forms T1341I.
Identifiers: ClinVar variation 1314360 (VCV001314360.5), dbSNP rs2147188935, ClinGen allele CA412772165.

ClinVar aggregate classification (germline): Uncertain significance. Review status: criteria provided, multiple submitters, no conflicts (2 of 4 stars). 2 submissions from 2 submitters: Uncertain significance (2). Last evaluated 2025-09-22.

Submissions (2):

GeneDx
Classification: Uncertain significance. Last evaluated: 2025-09-22. Review status: criteria provided, single submitter. Criteria: GeneDx Variant Classification Process June 2021. Collection method: clinical testing. Allele origin: germline. Affected: yes.
Comment: Not observed at significant frequency in large population cohorts (gnomAD); In silico analysis supports that this missense variant has a deleterious effect on protein structure/function; Has not been previously published as pathogenic or benign to our knowledge

Labcorp Genetics (formerly Invitae), Labcorp
Classification: Uncertain significance. Last evaluated: 2024-10-09. Review status: criteria provided, single submitter. Criteria: Invitae Variant Classification Sherloc (09022015). Collection method: clinical testing. Allele origin: germline.
Comment: This sequence change replaces threonine, which is neutral and polar, with isoleucine, which is neutral and non-polar, at codon 1341 of the USP9X protein (p.Thr1341Ile). This variant is not present in population databases (gnomAD no frequency). This variant has not been reported in the literature in individuals affected with USP9X-related conditions. ClinVar contains an entry for this variant (Variation ID: 1314360). An algorithm developed to predict the effect of missense changes on protein structure and function (PolyPhen-2) suggests that this variant is likely to be disruptive. In summary, the available evidence is currently insufficient to determine the role of this variant in disease. Therefore, it has been classified as a Variant of Uncertain Significance.